The following is an entry in ClinVar:

ClinVar aggregate classification (germline): Uncertain significance (1 of 4 stars; one submission).

Conditions:
DEGCAGS syndrome. Also called: DEVELOPMENTAL DELAY WITH GASTROINTESTINAL, CARDIOVASCULAR, GENITOURINARY, AND SKELETAL ABNORMALITIES. Identifiers: MedGen C5561967, MONDO:0859181, OMIM 619488.

gnomAD v4.1: 1 of 1,614,124 alleles (0.000062%); highest among the groups gnomAD compares: East Asian, 0.0022%; no homozygotes.

Submission:

Center for Medical Genetics and Molecular Medicine, Haukeland University Hospital
Classification: Uncertain significance for DEGCAGS syndrome. Last evaluated: 2024-02-01. Review status: criteria provided, single submitter. Criteria: ACMG Guidelines, 2015. Collection method: clinical testing. Allele origin: germline. Inheritance: Autosomal recessive inheritance. Affected: yes.
Comment: ACMG subscores: PM3, PM2_sup

NM_198535.3(ZNF699):c.1019G>A (p.Cys340Tyr)

Gene: ZNF699 (zinc finger protein 699; minus strand). Cytogenetic location: 19p13.2.
Variant type: single nucleotide variant.
Coding change: c.1019G>A on transcript NM_198535.3 (MANE Select); coding-DNA position 1019, G replaced by A.
Protein change: p.Cys340Tyr; replaces cysteine 340 with tyrosine.
Molecular consequence: missense variant.
Genome position (GRCh38, 1-based): chr19:9,296,385, C>T on the plus strand (G>A on the coding strand, the complement: ZNF699 is on the minus strand). VCF-style: chr19-9296385-C-T. GRCh37 (hg19) VCF-style: chr19-9407061-C-T.
Other names: p.(Cys340Tyr); short protein forms C340Y.
Identifiers: ClinVar variation 2921278 (VCV002921278.1).